The following is an entry in ClinVar:

NM_000075.4(CDK4):c.347_348delinsGA (p.Thr116Arg)

Gene: CDK4 (cyclin dependent kinase 4; minus strand). Cytogenetic location: 12q14.1.
Variant type: Indel.
Coding change: c.347_348delinsGA on transcript NM_000075.4 (MANE Select); coding-DNA positions 347 to 348, CG replaced by GA.
Protein change: p.Thr116Arg; replaces threonine 116 with arginine.
Molecular consequence: missense variant.
Genome position (GRCh38, 1-based): chr12:57,751,213-57,751,214, CG replaced by TC on the plus strand (CG replaced by GA on the coding strand, the reverse complement: CDK4 is on the minus strand). VCF-style: chr12-57751213-CG-TC. GRCh37 (hg19) VCF-style: chr12-58144996-CG-TC.
Other names: short protein forms T116R.
Identifiers: ClinVar variation 2862183 (VCV002862183.3), dbSNP rs2540902217, ClinGen allele CA2739272107.

ClinVar aggregate classification (germline): Uncertain significance (1 of 4 stars; one submission).

Conditions:
Familial melanoma. Also called: Hereditary melanoma; Hereditary cutaneous melanoma. Identifiers: Orphanet 618, MedGen C1512419, MONDO:0018961.

Submission:

Labcorp Genetics (formerly Invitae), Labcorp
Classification: Uncertain significance for Familial melanoma. Last evaluated: 2023-05-05. Review status: criteria provided, single submitter. Criteria: Invitae Variant Classification Sherloc (09022015). Collection method: clinical testing. Allele origin: germline.
Comment: Information on the frequency of this variant in the gnomAD database is not available, as this variant may be reported differently in the database. This sequence change replaces threonine, which is neutral and polar, with arginine, which is basic and polar, at codon 116 of the CDK4 protein (p.Thr116Arg). This variant has not been reported in the literature in individuals affected with CDK4-related conditions. An algorithm developed to predict the effect of missense changes on protein structure and function (PolyPhen-2) suggests that this variant is likely to be tolerated. In summary, the available evidence is currently insufficient to determine the role of this variant in disease. Therefore, it has been classified as a Variant of Uncertain Significance.